The following is an entry in ClinVar:

NM_198525.3(KIF7):c.519C>T (p.Arg173=)

Gene: KIF7 (kinesin family member 7; minus strand). Cytogenetic location: 15q26.1.
Variant type: single nucleotide variant.
Coding change: c.519C>T on transcript NM_198525.3 (MANE Select); coding-DNA position 519, C replaced by T.
Protein change: p.Arg173=; no amino-acid change (arginine 173 retained).
Molecular consequence: synonymous variant.
Genome position (GRCh38, 1-based): chr15:89,649,751, G>A on the plus strand (C>T on the coding strand, the complement: KIF7 is on the minus strand). VCF-style: chr15-89649751-G-A. GRCh37 (hg19) VCF-style: chr15-90192982-G-A.
Identifiers: ClinVar variation 1537786 (VCV001537786.23), dbSNP rs761188101, ClinGen allele CA7728627.

ClinVar aggregate classification (germline): Likely benign. Review status: criteria provided, multiple submitters, no conflicts (2 of 4 stars). 3 submissions from 3 submitters: Likely benign (3). Last evaluated 2025-07-01.

Conditions:
Acrocallosal syndrome (ACLS). Also called: HALLUX DUPLICATION, POSTAXIAL POLYDACTYLY, AND ABSENCE OF CORPUS CALLOSUM; Schinzel syndrome 1; Absence of corpus callosum with unusual facial appearance, mental deficiency, duplication of the halluces and polydactyly. Identifiers: Orphanet 36, MedGen C0796147, MONDO:0008708, OMIM 200990.

Allele frequency attached by ClinVar (database versions not stated): gnomAD exomes 0.00002 and 0.00006; ExAC 0.00005; gnomAD 0.00006 and 0.00007; TOPMed 0.00008.
gnomAD v4.1: 33 of 1,551,686 alleles (0.0021%); highest among the groups gnomAD compares: Admixed American, 0.026%; no homozygotes.

Submissions (3):

CeGaT Center for Human Genetics Tuebingen
Classification: Likely benign. Last evaluated: 2025-07-01. Review status: criteria provided, single submitter. Criteria: CeGaT Center For Human Genetics Tuebingen Variant Classification Criteria Version 2. Collection method: clinical testing. Allele origin: germline. Affected: yes. Observed: 4 variant alleles.
Comment: KIF7: BP4, BP7

Labcorp Genetics (formerly Invitae), Labcorp
Classification: Likely benign for Acrocallosal syndrome. Last evaluated: 2025-06-08. Review status: criteria provided, single submitter. Criteria: Invitae Variant Classification Sherloc (09022015). Collection method: clinical testing. Allele origin: germline.

Blueprint Genetics
Classification: Likely benign. Last evaluated: 2024-01-09. Review status: criteria provided, single submitter. Criteria: ACMG Guidelines, 2015. Collection method: clinical testing. Allele origin: germline.